The following is an entry in ClinVar:

NM_003839.4(TNFRSF11A):c.1706C>T (p.Pro569Leu)

Gene: TNFRSF11A (TNF receptor superfamily member 11a; plus strand). Cytogenetic location: 18q21.33.
Variant type: single nucleotide variant.
Coding change: c.1706C>T on transcript NM_003839.4 (MANE Select); coding-DNA position 1706, C replaced by T.
Protein change: p.Pro569Leu; replaces proline 569 with leucine.
Molecular consequence: missense variant. On other transcripts: 3 prime UTR variant (1).
Genome position (GRCh38, 1-based): chr18:62,384,889, C>T. VCF-style: chr18-62384889-C-T. GRCh37 (hg19) VCF-style: chr18-60052122-C-T.
Other names: c.*130C>T (NM_001270949.2); c.869C>T, p.Pro290Leu (NM_001270950.2); c.755C>T, p.Pro252Leu (NM_001270951.2); c.1664C>T, p.Pro555Leu (NM_001278268.2); short protein forms P252L, P290L, P555L, P569L.
Identifiers: ClinVar variation 3607569 (VCV003607569.2).

ClinVar aggregate classification (germline): Uncertain significance (1 of 4 stars; one submission).

Submission:

Labcorp Genetics (formerly Invitae), Labcorp
Classification: Uncertain significance. Last evaluated: 2024-04-13. Review status: criteria provided, single submitter. Criteria: Invitae Variant Classification Sherloc (09022015). Collection method: clinical testing. Allele origin: germline.
Comment: This sequence change replaces proline, which is neutral and non-polar, with leucine, which is neutral and non-polar, at codon 569 of the TNFRSF11A protein (p.Pro569Leu). The frequency data for this variant in the population databases is considered unreliable, as metrics indicate poor data quality at this position in the gnomAD database. This variant has not been reported in the literature in individuals affected with TNFRSF11A-related conditions. An algorithm developed to predict the effect of missense changes on protein structure and function (PolyPhen-2) suggests that this variant is likely to be disruptive. In summary, the available evidence is currently insufficient to determine the role of this variant in disease. Therefore, it has been classified as a Variant of Uncertain Significance.